The following is an entry in ClinVar:

NM_001080.3(ALDH5A1):c.1319T>C (p.Phe440Ser)

Gene: ALDH5A1 (aldehyde dehydrogenase 5 family member A1; plus strand). Cytogenetic location: 6p22.3.
Variant type: single nucleotide variant.
Coding change: c.1319T>C on transcript NM_001080.3 (MANE Select); coding-DNA position 1319, T replaced by C.
Protein change: p.Phe440Ser; replaces phenylalanine 440 with serine.
Molecular consequence: missense variant.
Genome position (GRCh38, 1-based): chr6:24,528,142, T>C. VCF-style: chr6-24528142-T-C. GRCh37 (hg19) VCF-style: chr6-24528370-T-C.
Other names: c.1175T>C, p.Phe392Ser (NM_001368954.1); c.1358T>C, p.Phe453Ser (NM_170740.1); short protein forms F440S, F453S, F392S.
Identifiers: ClinVar variation 838642 (VCV000838642.9), dbSNP rs1759858234, ClinGen allele CA362978936.
Genomic context (GRCh38, chr6:24,528,142, plus strand): 5'-TTGAGCCTACCCTGCTGTGCAATGTCACCCAGGACATGCTGTGCACTCATGAAGAGACTT[T>C]CGGGCCTCTGGCACCAGTTATCAAGTAAGATCCTCCAGCCAGCGGGGAGATGGGAGGAAG-3'
Protein context (NP_001071.1, residues 430-450): QDMLCTHEET[Phe440Ser]GPLAPVIKFD

ClinVar aggregate classification (germline): Uncertain significance (1 of 4 stars; one submission).

Conditions:
Succinate-semialdehyde dehydrogenase deficiency (SSADHD). Also called: 4-HYDROXYBUTYRIC ACIDURIA; GABA METABOLIC DEFECT; SSADH DEFICIENCY; Succinic Semialdehyde Dehydrogenase Deficiency. Identifiers: Orphanet 22, MedGen C0268631, MONDO:0010083, OMIM 271980.

Submission:

Labcorp Genetics (formerly Invitae), Labcorp
Classification: Uncertain significance for Succinate-semialdehyde dehydrogenase deficiency. Last evaluated: 2022-08-09. Review status: criteria provided, single submitter. Criteria: Invitae Variant Classification Sherloc (09022015). Collection method: clinical testing. Allele origin: germline.
Comment: ClinVar contains an entry for this variant (Variation ID: 838642). This variant has not been reported in the literature in individuals affected with ALDH5A1-related conditions. This variant is not present in population databases (gnomAD no frequency). This sequence change replaces phenylalanine, which is neutral and non-polar, with serine, which is neutral and polar, at codon 440 of the ALDH5A1 protein (p.Phe440Ser). Advanced modeling of protein sequence and biophysical properties (such as structural, functional, and spatial information, amino acid conservation, physicochemical variation, residue mobility, and thermodynamic stability) performed at Invitae indicates that this missense variant is expected to disrupt ALDH5A1 protein function. In summary, the available evidence is currently insufficient to determine the role of this variant in disease. Therefore, it has been classified as a Variant of Uncertain Significance.